The following is an entry in ClinVar:

ClinVar aggregate classification (germline): Uncertain significance (1 of 4 stars; one submission).

Conditions:
Arrhythmogenic cardiomyopathy with wooly hair and keratoderma. Also called: Carvajal syndrome; PALMOPLANTAR KERATODERMA WITH LEFT VENTRICULAR CARDIOMYOPATHY AND WOOLLY HAIR; Dilated cardiomyopathy with woolly hair and keratoderma; Arrhythmogenic cardiomyopathy with woolly hair and keratoderma. Identifiers: Orphanet 65282, MedGen C1854063, MONDO:0011581, OMIM 605676.

gnomAD v4.1: 1 of 1,613,976 alleles (0.000062%); highest among the groups gnomAD compares: Non-Finnish European, 0.000085%; no homozygotes.

Submission:

All of Us Research Program, National Institutes of Health
Classification: Uncertain significance for Arrhythmogenic cardiomyopathy with wooly hair and keratoderma. Last evaluated: 2024-04-25. Review status: criteria provided, single submitter. Criteria: ACMG Guidelines, 2015. Collection method: clinical testing. Allele origin: germline. Inheritance: Autosomal dominant inheritance. Observed: 1 variant allele, 1 heterozygote.
Comment: This missense variant replaces tyrosine with phenylalanine at codon 1116 of the DSP protein. Computational prediction suggests that this variant may not impact protein structure and function (internally defined REVEL score threshold <= 0.5, PMID: 27666373). To our knowledge, functional studies have not been reported for this variant. This variant has not been reported in individuals affected with DSP-related disorders in the literature. This variant has been identified in 1/250040 chromosomes in the general population by the Genome Aggregation Database (gnomAD). The available evidence is insufficient to determine the role of this variant in disease conclusively. Therefore, this variant is classified as a Variant of Uncertain Significance.

This study involves interpretation of variants in research participants for the purpose of population health screening. Participant phenotype was not available at the time of variant classification. Additional details can be found in publication PMID: 35346344, PMCID: PMC8962531

NM_004415.4(DSP):c.3347A>T (p.Tyr1116Phe)

Gene: DSP (desmoplakin; plus strand). Cytogenetic location: 6p24.3.
Variant type: single nucleotide variant.
Coding change: c.3347A>T on transcript NM_004415.4 (MANE Select); coding-DNA position 3347, A replaced by T.
Protein change: p.Tyr1116Phe; replaces tyrosine 1116 with phenylalanine.
Molecular consequence: missense variant.
Genome position (GRCh38, 1-based): chr6:7,579,537, A>T. VCF-style: chr6-7579537-A-T. GRCh37 (hg19) VCF-style: chr6-7579770-A-T.
Other names: c.3347A>T, p.Tyr1116Phe (NM_001008844.3, NM_001319034.2); short protein forms Y1116F.
Identifiers: ClinVar variation 3386659 (VCV003386659.1).